The following is an entry in ClinVar:

NM_017534.6(MYH2):c.4642G>C (p.Ala1548Pro)

Genes: MYH2 (myosin heavy chain 2; minus strand), MYHAS (myosin heavy chain gene cluster antisense RNA; plus strand), LOC126862500 (BRD4-independent group 4 enhancer GRCh37_chr17:10427829-10429028; plus strand). Cytogenetic location: 17p13.1.
Variant type: single nucleotide variant.
Coding change: c.4642G>C on transcript NM_017534.6 (MANE Select); coding-DNA position 4642, G replaced by C.
Protein change: p.Ala1548Pro; replaces alanine 1548 with proline.
Molecular consequence: missense variant.
Genome position (GRCh38, 1-based): chr17:10,525,244, C>G on the plus strand (G>C on the coding strand, the complement: MYH2 is on the minus strand). VCF-style: chr17-10525244-C-G. GRCh37 (hg19) VCF-style: chr17-10428561-C-G.
Other names: c.4642G>C, p.Ala1548Pro (NM_001100112.2); short protein forms A1548P.
Identifiers: ClinVar variation 1428222 (VCV001428222.8), dbSNP rs947669039, ClinGen allele CA287736875.
Genomic context (GRCh38, chr17:10,525,244, plus strand): 5'-ATTTTCCAGATTTTTTTATAATGCACAATTTTACATGTACCTCTGCTTCTTCTAAAGCAG[C>G]CTGAAGTTCACACTTTTCTTGTTCCACTTGTTTCTTTATTTTCTCCAGTTCATGGATACG-3'
Protein context (NP_060004.3, residues 1538-1558): QVEQEKCELQ[Ala1548Pro]ALEEAEASLE

ClinVar aggregate classification (germline): Uncertain significance (1 of 4 stars; one submission).

Conditions:
Myopathy, proximal, and ophthalmoplegia (CMYO6). Also called: INCLUSION BODY MYOPATHY 3, AUTOSOMAL DOMINANT; MYOPATHY WITH CONGENITAL JOINT CONTRACTURES, OPHTHALMOPLEGIA, AND RIMMED VACUOLES; CONGENITAL MYOPATHY 6 WITH OPHTHALMOPLEGIA. Identifiers: Orphanet 363677, Orphanet 79091, MedGen C1854106, MONDO:0011577, OMIM 605637.

gnomAD v4.1: 4 of 1,613,978 alleles (0.00025%); highest among the groups gnomAD compares: African/African-American, 0.0013%; no homozygotes.

Submission:

Labcorp Genetics (formerly Invitae), Labcorp
Classification: Uncertain significance for Myopathy, proximal, and ophthalmoplegia. Last evaluated: 2022-07-26. Review status: criteria provided, single submitter. Criteria: Invitae Variant Classification Sherloc (09022015). Collection method: clinical testing. Allele origin: germline.
Comment: This sequence change replaces alanine, which is neutral and non-polar, with proline, which is neutral and non-polar, at codon 1548 of the MYH2 protein (p.Ala1548Pro). This variant is not present in population databases (gnomAD no frequency). This variant has not been reported in the literature in individuals affected with MYH2-related conditions. ClinVar contains an entry for this variant (Variation ID: 1428222). Algorithms developed to predict the effect of missense changes on protein structure and function are either unavailable or do not agree on the potential impact of this missense change (SIFT: "Deleterious"; PolyPhen-2: "Possibly Damaging"; Align-GVGD: "Class C0"). In summary, the available evidence is currently insufficient to determine the role of this variant in disease. Therefore, it has been classified as a Variant of Uncertain Significance.